The following is an entry in ClinVar:

ClinVar aggregate classification (germline): Uncertain significance (1 of 4 stars; one submission).

Conditions:
Rienhoff syndrome. Also called: LOEYS-DIETZ SYNDROME 5. Identifiers: MedGen C3810012, MONDO:0014262, OMIM 615582.

gnomAD v4.1: 10 of 1,614,184 alleles (0.00062%); highest among the groups gnomAD compares: Non-Finnish European, 0.00085%; no homozygotes.

Submission:

Labcorp Genetics (formerly Invitae), Labcorp
Classification: Uncertain significance for Rienhoff syndrome. Last evaluated: 2022-06-12. Review status: criteria provided, single submitter. Criteria: Invitae Variant Classification Sherloc (09022015). Collection method: clinical testing. Allele origin: germline.
Comment: Algorithms developed to predict the effect of missense changes on protein structure and function are either unavailable or do not agree on the potential impact of this missense change (SIFT: "Deleterious"; PolyPhen-2: "Benign"; Align-GVGD: "Class C0"). In summary, the available evidence is currently insufficient to determine the role of this variant in disease. Therefore, it has been classified as a Variant of Uncertain Significance. This variant has not been reported in the literature in individuals affected with TGFB3-related conditions. This sequence change replaces methionine, which is neutral and non-polar, with lysine, which is basic and polar, at codon 62 of the TGFB3 protein (p.Met62Lys). This variant is not present in population databases (gnomAD no frequency).

NM_003239.5(TGFB3):c.185T>A (p.Met62Lys)

Gene: TGFB3 (transforming growth factor beta 3; minus strand). Cytogenetic location: 14q24.3.
Variant type: single nucleotide variant.
Coding change: c.185T>A on transcript NM_003239.5 (MANE Select); coding-DNA position 185, T replaced by A.
Protein change: p.Met62Lys; replaces methionine 62 with lysine.
Molecular consequence: missense variant.
Genome position (GRCh38, 1-based): chr14:75,980,709, A>T on the plus strand (T>A on the coding strand, the complement: TGFB3 is on the minus strand). VCF-style: chr14-75980709-A-T. GRCh37 (hg19) VCF-style: chr14-76447052-A-T.
Other names: c.185T>A, p.Met62Lys (NM_001329938.2, NM_001329939.2); short protein forms M62K.
Identifiers: ClinVar variation 2005232 (VCV002005232.4), dbSNP rs1594792431, ClinGen allele CA390471474.